The following is an entry in ClinVar:

ClinVar aggregate classification (germline): Uncertain significance. Review status: criteria provided, multiple submitters, no conflicts (2 of 4 stars). 2 submissions from 2 submitters: Uncertain significance (2). Last evaluated 2023-09-06.

Conditions:
Hereditary cancer-predisposing syndrome. Also called: Hereditary neoplastic syndrome; Hereditary Cancer Syndrome; Tumor predisposition; Neoplastic Syndromes, Hereditary. Identifiers: Orphanet 140162, MedGen C0027672, MeSH D009386, MONDO:0015356.

gnomAD v4.1: 3 of 1,611,188 alleles (0.00019%); highest among the groups gnomAD compares: Non-Finnish European, 0.00025%; no homozygotes.

Submissions (2):

Labcorp Genetics (formerly Invitae), Labcorp
Classification: Uncertain significance. Last evaluated: 2023-09-06. Review status: criteria provided, single submitter. Criteria: Invitae Variant Classification Sherloc (09022015). Collection method: clinical testing. Allele origin: germline.
Comment: In summary, the available evidence is currently insufficient to determine the role of this variant in disease. Therefore, it has been classified as a Variant of Uncertain Significance. An algorithm developed to predict the effect of missense changes on protein structure and function (PolyPhen-2) suggests that this variant is likely to be disruptive. ClinVar contains an entry for this variant (Variation ID: 1522697). This variant has not been reported in the literature in individuals affected with NTHL1-related conditions. This variant is not present in population databases (gnomAD no frequency). This sequence change replaces proline, which is neutral and non-polar, with glutamine, which is neutral and polar, at codon 215 of the NTHL1 protein (p.Pro215Gln).

Ambry Genetics
Classification: Uncertain significance for Hereditary cancer-predisposing syndrome. Last evaluated: 2023-06-09. Review status: criteria provided, single submitter. Criteria: Ambry Variant Classification Scheme 2023. Collection method: clinical testing. Allele origin: germline.
Comment: The p.P215Q variant (also known as c.644C>A), located in coding exon 4 of the NTHL1 gene, results from a C to A substitution at nucleotide position 644. The proline at codon 215 is replaced by glutamine, an amino acid with similar properties. This amino acid position is conserved. In addition, this alteration is predicted to be deleterious by in silico analysis. Since supporting evidence is limited at this time, the clinical significance of this alteration remains unclear.

NM_002528.7(NTHL1):c.620C>A (p.Pro207Gln)

Gene: NTHL1 (nth like DNA glycosylase 1; minus strand). Cytogenetic location: 16p13.3.
Variant type: single nucleotide variant.
Coding change: c.620C>A on transcript NM_002528.7 (MANE Select); coding-DNA position 620, C replaced by A.
Protein change: p.Pro207Gln; replaces proline 207 with glutamine.
Molecular consequence: missense variant.
Genome position (GRCh38, 1-based): chr16:2,043,632, G>T on the plus strand (C>A on the coding strand, the complement: NTHL1 is on the minus strand). VCF-style: chr16-2043632-G-T. GRCh37 (hg19) VCF-style: chr16-2093633-G-T.
Other names: c.644C>A (NM_002528.5); c.449C>A, p.Pro150Gln (NM_001318193.2); c.290C>A, p.Pro97Gln (NM_001318194.2); short protein forms P97Q, P150Q, P207Q.
Identifiers: ClinVar variation 1522697 (VCV001522697.8), dbSNP rs755619109, ClinGen allele CA394291403.
Genomic context (GRCh38, chr16:2,043,632, plus strand): 5'-CCTGACACAGTGCCCCAGGCCACAGCCATAGCCAGGTGTGCCATCTTGGGCCCAACACCC[G>T]GCAGCGCCACCAGCTCGGCCACAGAGGCTGGGATGTCCCCACCGTAGTGCTGCTGCAGGA-3'
Protein context (NP_002519.2, residues 197-217): PASVAELVAL[Pro207Gln]GVGPKMAHLA